The following is an entry in ClinVar:

NM_005555.4(KRT6B):c.1314G>A (p.Lys438=)

Gene: KRT6B (keratin 6B; minus strand). Cytogenetic location: 12q13.13.
Variant type: single nucleotide variant.
Coding change: c.1314G>A on transcript NM_005555.4 (MANE Select); coding-DNA position 1314, G replaced by A.
Protein change: p.Lys438=; no amino-acid change (lysine 438 retained).
Molecular consequence: synonymous variant.
Genome position (GRCh38, 1-based): chr12:52,447,888, C>T on the plus strand (G>A on the coding strand, the complement: KRT6B is on the minus strand). VCF-style: chr12-52447888-C-T. GRCh37 (hg19) VCF-style: chr12-52841672-C-T.
Identifiers: ClinVar variation 4820777 (VCV004820777.4).

ClinVar aggregate classification (germline): Likely benign (1 of 4 stars; one submission).

Submission:

CeGaT Center for Human Genetics Tuebingen
Classification: Likely benign. Last evaluated: 2026-01-01. Review status: criteria provided, single submitter. Criteria: CeGaT Center For Human Genetics Tuebingen Variant Classification Criteria Version 2. Collection method: clinical testing. Allele origin: germline. Affected: yes. Observed: 1 variant allele.
Comment: KRT6B: BP4, BP7